The following is an entry in ClinVar:

NM_017752.3(TBC1D8B):c.2209C>T (p.His737Tyr)

Gene: TBC1D8B (TBC1 domain family member 8B; plus strand). Cytogenetic location: Xq22.3.
Variant type: single nucleotide variant.
Coding change: c.2209C>T on transcript NM_017752.3 (MANE Select); coding-DNA position 2209, C replaced by T.
Protein change: p.His737Tyr; replaces histidine 737 with tyrosine.
Molecular consequence: missense variant.
Genome position (GRCh38, 1-based): chrX:106,853,606, C>T. VCF-style: chrX-106853606-C-T. GRCh37 (hg19) VCF-style: chrX-106096836-C-T.
Other names: short protein forms H737Y.
Identifiers: ClinVar variation 2585132 (VCV002585132.1), dbSNP rs2521671463, ClinGen allele CA413813285.

ClinVar aggregate classification (germline): Uncertain significance (1 of 4 stars; one submission).

Conditions:
Nephrotic syndrome, type 20. Identifiers: MedGen C5193011, MONDO:0026726, OMIM 301028.

Submission:

Neuberg Centre For Genomic Medicine, NCGM
Classification: Uncertain significance for Nephrotic syndrome, type 20. Review status: criteria provided, single submitter. Criteria: ACMG Guidelines, 2015. Collection method: clinical testing. Allele origin: germline. Inheritance: X-linked inheritance. Affected: yes.
Comment: The variant has not been reported previously as a pathogenic variant nor as a benign variant, to our knowledge. The amino acid His at position 737 is changed to a Tyr changing protein sequence and it might alter its composition and physico-chemical properties. In silico tools predict the variant to be tolerated. The residue is conserved across species. The amino acid change p.His737Tyr in TBC1D8B is predicted as conserved by GERP++ and PhyloP across 100 vertebrates. The variant is novel (not in any individuals) in gnomAD Exomes and 1000 Genomes. For these reasons, this variant has been classified as uncertain significance .